The following is an entry in ClinVar:

NM_152393.4(KLHL40):c.1274dup (p.Glu426fs)

Gene: KLHL40 (kelch like family member 40; plus strand). Cytogenetic location: 3p22.1.
Variant type: Duplication.
Coding change: c.1274dup on transcript NM_152393.4 (MANE Select); coding-DNA position 1274, one base duplicated (G; older notation c.1274dupG).
Protein change: p.Glu426fs; shifts the reading frame from glutamic acid 426.
Molecular consequence: frameshift variant.
Genome position (GRCh38, 1-based): chr3:42,688,263, G duplicated; the last of 2 consecutive G bases (chr3:42,688,262-42,688,263); duplicating either gives the same sequence. VCF-style (leftmost placement, unchanged base first): chr3-42688261-C-CG. GRCh37 (hg19) VCF-style: chr3-42729753-C-CG.
Other names: c.1274dupG (NM_152393.3); short protein forms E426fs.
Identifiers: ClinVar variation 426444 (VCV000426444.2), dbSNP rs1085307627, ClinGen allele CA645294026.

ClinVar aggregate classification (germline): Likely pathogenic (1 of 4 stars; one submission).

Submission:

GeneDx
Classification: Likely pathogenic. Last evaluated: 2017-04-17. Review status: criteria provided, single submitter. Criteria: GeneDx Variant Classification (06012015). Collection method: clinical testing. Allele origin: germline. Affected: yes.
Comment: The c.1274dupG likely pathogenic variant in the KLHL40 gene has not been reported previously as a pathogenic variant nor as a benign variant, to our knowledge. The c.1274dupG variant causes a frameshift starting with codon Glutamic acid 426, changes this amino acid to a Arginine residue, and creates a premature Stop codon at position 19 of the new reading frame, denoted p.E426RfsX19. This variant is predicted to cause loss of normal protein function either through protein truncation or nonsense-mediated mRNA decay. The c.1274dupG variant is not observed in large population cohorts (Lek et al., 2016; 1000 Genomes Consortium et al., 2015; Exome Variant Server). We interpret c.1274dupG as a likely pathogenic variant.